The following is an entry in ClinVar:

NM_001035.3(RYR2):c.11164C>T (p.Gln3722Ter)

Gene: RYR2 (ryanodine receptor 2; plus strand). Cytogenetic location: 1q43.
Variant type: single nucleotide variant.
Coding change: c.11164C>T on transcript NM_001035.3 (MANE Select); coding-DNA position 11164, C replaced by T.
Protein change: p.Gln3722Ter; replaces glutamine 3722 with a stop codon.
Molecular consequence: nonsense.
Genome position (GRCh38, 1-based): chr1:237,756,306, C>T. VCF-style: chr1-237756306-C-T. GRCh37 (hg19) VCF-style: chr1-237919606-C-T.
Other names: short protein forms Q3722*.
Identifiers: ClinVar variation 1677961 (VCV001677961.7), dbSNP rs2149261821, ClinGen allele CA345425790.

ClinVar aggregate classification (germline): Uncertain significance. Review status: criteria provided, multiple submitters, no conflicts (2 of 4 stars). 4 submissions from 4 submitters: Uncertain significance (4). Last evaluated 2025-08-30.

Conditions:
Catecholaminergic polymorphic ventricular tachycardia (CVPT). Also called: Catecholamine-induced polymorphic ventricular tachycardia. Identifiers: Orphanet 3286, MedGen C5574922, MONDO:0017990.
Cardiomyopathy (CMYO). Also called: Cardiomyopathies. Identifiers: Orphanet 167848, MedGen C0878544, MONDO:0004994, HP:0001638. Inheritance: Various modes of inheritance.
Catecholaminergic polymorphic ventricular tachycardia 1. Also called: VENTRICULAR TACHYCARDIA, STRESS-INDUCED POLYMORPHIC 1; VENTRICULAR TACHYCARDIA, CATECHOLAMINERGIC POLYMORPHIC, 1, WITH OR WITHOUT ATRIAL DYSFUNCTION AND/OR DILATED CARDIOMYOPATHY; RYR2-Related Catecholaminergic Polymorphic Ventricular Tachycardia. Identifiers: Orphanet 3286, MedGen C1631597, MONDO:0011484, OMIM 604772.

gnomAD v4.1: 2 of 1,612,958 alleles (0.00012%); highest among the groups gnomAD compares: Non-Finnish European, 0.00017%; no homozygotes.

Submissions (4):

Labcorp Genetics (formerly Invitae), Labcorp
Classification: Uncertain significance for Catecholaminergic polymorphic ventricular tachycardia 1. Last evaluated: 2025-08-30. Review status: criteria provided, single submitter. Criteria: Invitae Variant Classification Sherloc (09022015). Collection method: clinical testing. Allele origin: germline.
Comment: This sequence change creates a premature translational stop signal (p.Gln3722*) in the RYR2 gene. It is expected to result in an absent or disrupted protein product. However, the current clinical and genetic evidence is not sufficient to establish whether loss-of-function variants in RYR2 cause disease. This variant is not present in population databases (gnomAD no frequency). This variant has not been reported in the literature in individuals affected with RYR2-related conditions. ClinVar contains an entry for this variant (Variation ID: 1677961). In summary, the available evidence is currently insufficient to determine the role of this variant in disease. Therefore, it has been classified as a Variant of Uncertain Significance.

Color Diagnostics, LLC DBA Color Health
Classification: Uncertain significance for Cardiomyopathy. Last evaluated: 2025-07-28. Review status: criteria provided, single submitter. Criteria: ACMG Guidelines, 2015. Collection method: clinical testing. Allele origin: germline.
Comment: This variant changes 1 nucleotide in exon 81 of the RYR2 gene, creating a premature translation stop signal. This variant is expected to result in an absent or non-functional protein product. To our knowledge, this variant has not been reported in individuals affected with RYR2-related disorders in the literature. This variant has not been identified in the general population by the Genome Aggregation Database (gnomAD). Clinical relevance of loss-of-function RYR2 truncation variants in autosomal dominant cardiovascular disorders is not clearly established. The available evidence is insufficient to determine the role of this variant in disease conclusively. Therefore, this variant is classified as a Variant of Uncertain Significance.

All of Us Research Program, National Institutes of Health
Classification: Uncertain significance for Catecholaminergic polymorphic ventricular tachycardia. Last evaluated: 2024-03-05. Review status: criteria provided, single submitter. Criteria: ACMG Guidelines, 2015. Collection method: clinical testing. Allele origin: germline. Inheritance: Autosomal dominant inheritance. Observed: 1 variant allele, 1 heterozygote.
Comment: This study involves interpretation of variants in research participants for the purpose of population health screening. Participant phenotype was not available at the time of variant classification. Additional details can be found in publication PMID: 35346344, PMCID: PMC8962531

AiLife Diagnostics
Classification: Uncertain significance. Last evaluated: 2022-02-22. Review status: criteria provided, single submitter. Criteria: ACMG Guidelines, 2015. Collection method: clinical testing. Allele origin: germline. Affected: yes. Observed: 1 variant allele.